The following is an entry in ClinVar:

NM_000535.7(PMS2):c.881G>A (p.Arg294Gln)

Gene: PMS2 (PMS1 homolog 2, mismatch repair system component; minus strand). Cytogenetic location: 7p22.1.
Variant type: single nucleotide variant.
Coding change: c.881G>A on transcript NM_000535.7 (MANE Select); coding-DNA position 881, G replaced by A.
Protein change: p.Arg294Gln; replaces arginine 294 with glutamine.
Molecular consequence: missense variant. On other transcripts: 5 prime UTR variant (2), non-coding transcript variant (1).
Genome position (GRCh38, 1-based): chr7:5,995,556, C>T on the plus strand (G>A on the coding strand, the complement: PMS2 is on the minus strand). VCF-style: chr7-5995556-C-T. GRCh37 (hg19) VCF-style: chr7-6035187-C-T.
Other names: c.476G>A, p.Arg159Gln (NM_001322003.2, NM_001322004.2, NM_001322005.2 and 2 more transcripts); c.881G>A, p.Arg294Gln (NM_001322006.2, NM_001322014.2); c.563G>A, p.Arg188Gln (NM_001322007.2, NM_001322008.2); c.-53G>A (NM_001322011.2, NM_001322012.2); c.308G>A, p.Arg103Gln (NM_001322013.2); c.572G>A, p.Arg191Gln (NM_001322015.2); short protein forms R294Q, R188Q, R191Q, R103Q, R159Q.
Identifiers: ClinVar variation 233232 (VCV000233232.35), dbSNP rs373239341, ClinGen allele CA052074.
Genomic context (GRCh38, chr7:5,995,556, plus strand): 5'-GCATAAAGAACAAACTAACACAAAAAAATTTTAAATACCTTTGCTGGGTCACAAGGCCGC[C>T]GGTTGATAAAGAAAAACTGTCTGTCTGTTGAACTCCTTCCAACTCCATGCGTGCATTGTG-3'
Protein context (NP_000526.2, residues 284-304): STDRQFFFIN[Arg294Gln]RPCDPAKVCR

ClinVar aggregate classification (germline): Uncertain significance. Review status: criteria provided, multiple submitters, no conflicts (2 of 4 stars). 13 submissions from 13 submitters: Uncertain significance (12). 1 of the submissions does not count toward it. Last evaluated 2026-01-28.

Conditions:
Hereditary nonpolyposis colorectal neoplasms. Identifiers: MedGen C0009405, MeSH D003123.
Hereditary cancer-predisposing syndrome. Also called: Tumor predisposition; Hereditary neoplastic syndrome; Hereditary Cancer Syndrome; Neoplastic Syndromes, Hereditary. Identifiers: Orphanet 140162, MedGen C0027672, MeSH D009386, MONDO:0015356.
Lynch syndrome. Identifiers: Orphanet 144, MedGen C4552100, MONDO:0005835. Disease mechanism: loss of function.
Lynch syndrome 4 (LYNCH4). Also called: Hereditary non-polyposis colorectal cancer, type 4; Colorectal cancer, hereditary nonpolyposis, type 4. Identifiers: Orphanet 144, MedGen C1838333, MONDO:0013699, OMIM 614337. Disease mechanism: loss of function.

Allele frequency attached by ClinVar (database versions not stated): TOPMed 0.00002; ExAC 0.00002; ESP Exome Variant Server 0.00008; gnomAD exomes 0.00001.

Submissions (13):

Labcorp Genetics (formerly Invitae), Labcorp
Classification: Uncertain significance for Hereditary nonpolyposis colorectal neoplasms. Last evaluated: 2026-01-28. Review status: criteria provided, single submitter. Criteria: Invitae Variant Classification Sherloc (09022015). Collection method: clinical testing. Allele origin: germline.
Comment: This sequence change replaces arginine, which is basic and polar, with glutamine, which is neutral and polar, at codon 294 of the PMS2 protein (p.Arg294Gln). This variant is present in population databases (rs373239341, gnomAD 0.007%). This missense change has been observed in individual(s) with breast cancer (PMID: 34326862). ClinVar contains an entry for this variant (Variation ID: 233232). Invitae Evidence Modeling incorporating data from in vitro experimental studies (internal data) indicates that this missense variant is not expected to disrupt PMS2 function with a negative predictive value of 95%. RNA analysis performed to evaluate the impact of this missense change on mRNA splicing indicates it does not significantly alter splicing (internal data). In summary, the available evidence is currently insufficient to determine the role of this variant in disease. Therefore, it has been classified as a Variant of Uncertain Significance.

Ambry Genetics
Classification: Uncertain significance for Hereditary cancer-predisposing syndrome. Last evaluated: 2025-09-06. Review status: criteria provided, single submitter. Criteria: Ambry Variant Classification Scheme 2023. Collection method: clinical testing. Allele origin: germline.
Comment: The p.R294Q variant (also known as c.881G>A), located in coding exon 8 of the PMS2 gene, results from a G to A substitution at nucleotide position 881. The arginine at codon 294 is replaced by glutamine, an amino acid with highly similar properties. This amino acid position is not well conserved in available vertebrate species. In addition, this alteration is predicted to be tolerated by in silico analysis. Since supporting evidence is limited at this time, the clinical significance of this alteration remains unclear.

Dasa
Classification: Uncertain significance. Last evaluated: 2025-06-26. Review status: criteria provided, single submitter. Criteria: DASA Assertion Criteria. Collection method: clinical testing. Allele origin: germline.
Comment: NM_000535.7(PMS2):c.881G>A (p.Arg294Gln) is a missense variant that results in the substitution of arginine with glutamine. This variant is rare in population databases. Computational prediction algorithms are consistent with a benign effect. The currently available literature and clinical evidence are not sufficient to establish a definitive association between this variant and the reported condition. Therefore, this variant is classified as a variant of uncertain significance.

All of Us Research Program, National Institutes of Health
Classification: Uncertain significance for Lynch syndrome. Last evaluated: 2024-08-06. Review status: criteria provided, single submitter. Criteria: ACMG Guidelines, 2015. Collection method: clinical testing. Allele origin: germline. Inheritance: Autosomal dominant inheritance. Observed: 8 variant alleles, 8 heterozygotes.
Comment: This missense variant replaces arginine with glutamine at codon 294 of the PMS2 protein. Computational prediction suggests that this variant may not impact protein structure and function (internally defined REVEL score threshold <= 0.5, PMID: 27666373). To our knowledge, functional studies have not been reported for this variant. This variant has not been reported in individuals affected with PMS2-related disorders in the literature. This variant has been identified in 3/251388 chromosomes in the general population by the Genome Aggregation Database (gnomAD). The available evidence is insufficient to determine the role of this variant in disease conclusively. Therefore, this variant is classified as a Variant of Uncertain Significance.

This study involves interpretation of variants in research participants for the purpose of population health screening. Participant phenotype was not available at the time of variant classification. Additional details can be found in publication PMID: 35346344, PMCID: PMC8962531

Molecular Pathology, Peter Maccallum Cancer Centre
Classification: Uncertain significance for Lynch syndrome 4. Last evaluated: 2024-07-23. Review status: criteria provided, single submitter. Criteria: ACMG Guidelines, 2015. Collection method: clinical testing. Allele origin: germline. Inheritance: Autosomal dominant inheritance.

Color Diagnostics, LLC DBA Color Health
Classification: Uncertain significance for Hereditary cancer-predisposing syndrome. Last evaluated: 2024-07-11. Review status: criteria provided, single submitter. Criteria: ACMG Guidelines, 2015. Collection method: clinical testing. Allele origin: germline.
Comment: This missense variant replaces arginine with glutamine at codon 294 of the PMS2 protein. Computational prediction suggests that this variant may not impact protein structure and function (internally defined REVEL score threshold <= 0.5, PMID: 27666373). To our knowledge, functional studies have not been reported for this variant. This variant has not been reported in individuals affected with PMS2-related disorders in the literature. This variant has been identified in 3/251388 chromosomes in the general population by the Genome Aggregation Database (gnomAD). The available evidence is insufficient to determine the role of this variant in disease conclusively. Therefore, this variant is classified as a Variant of Uncertain Significance.

GeneDx
Classification: Uncertain significance. Last evaluated: 2024-01-23. Review status: criteria provided, single submitter. Criteria: GeneDx Variant Classification Process June 2021. Collection method: clinical testing. Allele origin: germline. Affected: yes.
Comment: In silico analysis supports that this missense variant does not alter protein structure/function; Observed in an individual with a personal and family history of breast and ovarian cancer (PMID: 34326862); This variant is associated with the following publications: (PMID: 27093186, 11574484, 34326862)

Baylor Genetics
Classification: Uncertain significance for Lynch syndrome 4. Last evaluated: 2023-09-05. Review status: criteria provided, single submitter. Criteria: ACMG Guidelines, 2015. Collection method: clinical testing. Allele origin: unknown.

Myriad Genetics, Inc.
Classification: Uncertain significance for Lynch syndrome 4. Last evaluated: 2023-04-04. Review status: criteria provided, single submitter. Criteria: Myriad Autosomal Dominant, Autosomal Recessive and X-Linked Classification Criteria (2023). Collection method: clinical testing. Allele origin: unknown.
Comment: This variant is classified as a variant of uncertain significance as there is insufficient evidence to determine its impact on protein function and/or cancer risk.

Department of Pathology and Laboratory Medicine, Sinai Health System
Classification: Uncertain significance for Lynch syndrome. Last evaluated: 2022-10-24. Review status: criteria provided, single submitter. Criteria: ACMG Guidelines, 2015. Collection method: clinical testing. Allele origin: germline. Affected: yes.

Quest Diagnostics Nichols Institute San Juan Capistrano
Classification: Uncertain significance. Last evaluated: 2021-05-18. Review status: criteria provided, single submitter. Criteria: Quest Diagnostics criteria. Collection method: clinical testing. Allele origin: unknown.

Mendelics
Classification: Uncertain significance for Lynch syndrome 4. Last evaluated: 2019-05-28. Review status: criteria provided, single submitter. Criteria: Mendelics Assertion Criteria 2017. Collection method: clinical testing. Allele origin: unknown.

Counsyl
Classification: Uncertain significance for Lynch syndrome 4. Last evaluated: 2018-01-29. Review status: no assertion criteria provided. Collection method: clinical testing. Allele origin: unknown. Not counted in ClinVar's aggregate classification.

Literature cited by the submitters: PubMed 34326862 (cited by Labcorp Genetics (formerly Invitae), Labcorp).